The following is an entry in ClinVar:

NM_000059.4(BRCA2):c.9648+2T>C

Gene: BRCA2 (BRCA2 DNA repair associated; plus strand). Cytogenetic location: 13q13.1.
Variant type: single nucleotide variant.
Coding change: c.9648+2T>C on transcript NM_000059.4 (MANE Select); the canonical splice donor site of the intron after coding-DNA position 9648, T replaced by C.
Molecular consequence: splice donor variant.
Genome position (GRCh38, 1-based): chr13:32,397,046, T>C. VCF-style: chr13-32397046-T-C. GRCh37 (hg19) VCF-style: chr13-32971183-T-C.
Other names: c.9597+2T>C (NM_001406720.1); c.9552+2T>C (NM_001406719.1); c.4716+2T>C (NM_001406721.1); c.3231+2T>C (NM_001406722.1).
Identifiers: ClinVar variation 634724 (VCV000634724.3), dbSNP rs1566260318, ClinGen allele CA387763878.
Genomic context (GRCh38, chr13:32,397,046, plus strand): 5'-ACTGTACTTCAGGGCCGTACACTGCTCAAATCATTCCTGGTACAGGAAACAAGCTTCTGG[T>C]AAGTTAATGTAAACTCAAGGAATATTATAAGAAGTATATATGGAGGCCATCGTATATTCT-3'

ClinVar aggregate classification (germline): Uncertain significance. Review status: criteria provided, single submitter (1 of 4 stars). 2 submissions from 2 submitters: Uncertain significance (1). 1 of the submissions does not count toward it. Last evaluated 2026-08-28.

Conditions:
Hereditary cancer-predisposing syndrome. Also called: Neoplastic Syndromes, Hereditary; Hereditary Cancer Syndrome; Hereditary neoplastic syndrome; Tumor predisposition. Identifiers: Orphanet 140162, MedGen C0027672, MeSH D009386, MONDO:0015356.
Ovarian neoplasm. Also called: Neoplasm of ovary; Ovarian tumor; Ovarian Neoplasms. Identifiers: MedGen C0919267, MeSH D010051, MONDO:0021068, HP:0100615.

Submissions (2):

Ambry Genetics
Classification: Uncertain significance for Hereditary cancer-predisposing syndrome. Last evaluated: 2026-08-28. Review status: criteria provided, single submitter. Criteria: Ambry Variant Classification Scheme 2023. Collection method: clinical testing. Allele origin: germline.
Comment: The c.9648+2T>C intronic variant results from a T to C substitution two nucleotides after coding exon 25 in the BRCA2 gene. This nucleotide position is highly conserved in available vertebrate species. In silico splice site analysis predicts that this alteration will weaken the native splice donor site. Variants that disrupt the canonical splice site are expected to cause aberrant splicing, and a resulting transcript is predicted to be in-frame and is not expected to trigger nonsense-mediated mRNA decay; although, direct evidence is unavailable. In addition, +2T>C variants are capable of generating wild-type transcripts in some genomic contexts and should be interpreted with caution (Lin JH et al. Hum Mutat. 2019 10;40:1856-1873). Based on the available evidence, the clinical significance of this variant remains unclear.

German Consortium for Hereditary Breast and Ovarian Cancer, University Hospital Cologne
Classification: Likely pathogenic for Ovarian neoplasm. Last evaluated: 2018-12-01. Review status: no assertion criteria provided. Collection method: research. Allele origin: somatic. Affected: yes. Not counted in ClinVar's aggregate classification.